The following is an entry in ClinVar:

ClinVar aggregate classification (germline): Uncertain significance (1 of 4 stars; one submission).

Conditions:
Emery-Dreifuss muscular dystrophy 5, autosomal dominant (EDMD5). Also called: EMERY-DREIFUSS MUSCULAR DYSTROPHY 5. Identifiers: Orphanet 261, MedGen C2751805, MONDO:0013072, OMIM 612999.

Submission:

Labcorp Genetics (formerly Invitae), Labcorp
Classification: Uncertain significance for Emery-Dreifuss muscular dystrophy 5, autosomal dominant. Last evaluated: 2026-01-24. Review status: criteria provided, single submitter. Criteria: Invitae Variant Classification Sherloc (09022015). Collection method: clinical testing. Allele origin: germline.
Comment: This sequence change replaces aspartic acid, which is acidic and polar, with tyrosine, which is neutral and polar, at codon 226 of the SYNE2 protein (p.Asp226Tyr). This variant is not present in population databases (gnomAD no frequency). This variant has not been reported in the literature in individuals affected with SYNE2-related conditions. An algorithm developed to predict the effect of missense changes on protein structure and function (PolyPhen-2) suggests that this variant is likely to be disruptive. In summary, the available evidence is currently insufficient to determine the role of this variant in disease. Therefore, it has been classified as a Variant of Uncertain Significance.

NM_182914.3(SYNE2):c.676G>T (p.Asp226Tyr)

Gene: SYNE2 (spectrin repeat containing nuclear envelope protein 2; plus strand). Cytogenetic location: 14q23.2.
Variant type: single nucleotide variant.
Coding change: c.676G>T on transcript NM_182914.3 (MANE Select); coding-DNA position 676, G replaced by T.
Protein change: p.Asp226Tyr; replaces aspartic acid 226 with tyrosine.
Molecular consequence: missense variant.
Genome position (GRCh38, 1-based): chr14:63,954,804, G>T. VCF-style: chr14-63954804-G-T. GRCh37 (hg19) VCF-style: chr14-64421522-G-T.
Other names: c.676G>T, p.Asp226Tyr (NM_015180.6); short protein forms D226Y.
Identifiers: ClinVar variation 4735575 (VCV004735575.1).